The following is an entry in ClinVar:

NM_205768.3(ZBTB18):c.800dup (p.Tyr267Ter)

Gene: ZBTB18 (zinc finger and BTB domain containing 18; plus strand). Cytogenetic location: 1q44.
Variant type: Duplication.
Coding change: c.800dup on transcript NM_205768.3 (MANE Select); coding-DNA position 800, one base duplicated (A; older notation c.800dupA).
Protein change: p.Tyr267Ter; replaces tyrosine 267 with a stop codon.
Molecular consequence: nonsense. On other transcripts: frameshift variant (1).
Genome position (GRCh38, 1-based): chr1:244,054,574, A duplicated. VCF-style (leftmost placement, unchanged base first): chr1-244054573-T-TA. GRCh37 (hg19) VCF-style: chr1-244217875-T-TA.
Other names: c.800dupA (NM_205768.2); c.773dup, p.Tyr258Ter (NM_001278196.2); c.773dup, p.Tyr258Terfs (NM_006352.5); short protein forms Y258*, Y267*.
Identifiers: ClinVar variation 424193 (VCV000424193.5), dbSNP rs1553270470, ClinGen allele CA16617122.

ClinVar aggregate classification (germline): Pathogenic (1 of 4 stars; one submission).

Conditions:
ZBTB18-related disorder. Also called: ZBTB18-related condition.

Submission:

GeneDx
Classification: Pathogenic. Last evaluated: 2023-04-17. Review status: criteria provided, single submitter. Criteria: GeneDx Variant Classification Process June 2021. Collection method: clinical testing. Allele origin: germline. Affected: yes.
Comment: Nonsense variant predicted to result in protein truncation, as the last 265 amino acids are lost, and other loss-of-function variants have been reported downstream in HGMD; Not observed at significant frequency in large population cohorts (gnomAD); This variant is associated with the following publications: (PMID: 31618753)